The following is an entry in ClinVar:

NM_001369.3(DNAH5):c.3599-2A>G

Genes: DNAH5 (dynein axonemal heavy chain 5; minus strand), DNAH5-AS1 (DNAH5 antisense RNA 1; plus strand). Cytogenetic location: 5p15.2.
Variant type: single nucleotide variant.
Coding change: c.3599-2A>G on transcript NM_001369.3 (MANE Select); the canonical splice acceptor site of the intron before coding-DNA position 3599, A replaced by G.
Molecular consequence: splice acceptor variant.
Genome position (GRCh38, 1-based): chr5:13,871,004, T>C on the plus strand (A>G on the coding strand, the complement: DNAH5 is on the minus strand). VCF-style: chr5-13871004-T-C. GRCh37 (hg19) VCF-style: chr5-13871113-T-C.
Identifiers: ClinVar variation 2671847 (VCV002671847.2), dbSNP rs1187251909, ClinGen allele CA359232497.

ClinVar aggregate classification (germline): Likely pathogenic (1 of 4 stars; one submission).

Conditions:
Primary ciliary dyskinesia. Also called: Ciliary dyskinesia. Identifiers: Orphanet 244, MedGen C0008780, MONDO:0016575, HP:0012265.

Submission:

Institute Of Molecular Biology And Genetics, Federal Almazov National Medical Research Centre
Classification: Likely pathogenic for Primary ciliary dyskinesia. Last evaluated: 2023-12-11. Review status: criteria provided, single submitter. Criteria: ACMG Guidelines, 2015. Collection method: clinical testing. Allele origin: maternal. Affected: yes. Observed: 1 variant allele.
Comment: The c.3599-2A>G variant affects the canonical acceptor splice site in intron 23 of the DNAH5 gene, and is predicted to disrupt RNA splicing. Loss-of-function variants in DNAH5 are known to be pathogenic (PMID:11788826, 16627867). To our knowledge, it has not been previously reported either in publicly available population and clinical databases (GnomAD, dbSNP, ClinVar), or in the literature. For these reasons, this variant has been classified as Likely Pathogenic.